The following is an entry in ClinVar:

ClinVar aggregate classification (germline): Uncertain significance (1 of 4 stars; one submission).

Submission:

Labcorp Genetics (formerly Invitae), Labcorp
Classification: Uncertain significance. Last evaluated: 2024-02-29. Review status: criteria provided, single submitter. Criteria: Invitae Variant Classification Sherloc (09022015). Collection method: clinical testing. Allele origin: germline.
Comment: This sequence change replaces threonine, which is neutral and polar, with alanine, which is neutral and non-polar, at codon 180 of the NLRP1 protein (p.Thr180Ala). This variant is present in population databases (rs374598238, gnomAD 0.02%). This variant has not been reported in the literature in individuals affected with NLRP1-related conditions. An algorithm developed to predict the effect of missense changes on protein structure and function (PolyPhen-2) suggests that this variant is likely to be disruptive. In summary, the available evidence is currently insufficient to determine the role of this variant in disease. Therefore, it has been classified as a Variant of Uncertain Significance.

NM_033004.4(NLRP1):c.538A>G (p.Thr180Ala)

Gene: NLRP1 (NLR family pyrin domain containing 1; minus strand). Cytogenetic location: 17p13.2.
Variant type: single nucleotide variant.
Coding change: c.538A>G on transcript NM_033004.4 (MANE Select); coding-DNA position 538, A replaced by G.
Protein change: p.Thr180Ala; replaces threonine 180 with alanine.
Molecular consequence: missense variant.
Genome position (GRCh38, 1-based): chr17:5,581,973, T>C on the plus strand (A>G on the coding strand, the complement: NLRP1 is on the minus strand). VCF-style: chr17-5581973-T-C. GRCh37 (hg19) VCF-style: chr17-5485293-T-C.
Other names: c.538A>G, p.Thr180Ala (NM_001033053.3, NM_014922.5, NM_033006.4 and 1 more transcripts); short protein forms T180A.
Identifiers: ClinVar variation 3710825 (VCV003710825.2).
Genomic context (GRCh38, chr17:5,581,973, plus strand): 5'-CCTGCTCTCTGGGTGCTAGGCTGGGCTGAGGTGGGGATCCCCAGCTCCCCAGCACTGCTG[T>C]GGATGTGGGGGCGTTGGGTGACTCCTGGCTTGGAGACTCATGGTCTGGGGAGCTTGGAAG-3'
Protein context (NP_127497.1, residues 170-190): SQESPNAPTS[Thr180Ala]AVLGSWGSPP